The following is an entry in ClinVar:

NM_007374.3(SIX6):c.732C>A (p.Cys244Ter)

Genes: C14orf39 (chromosome 14 open reading frame 39; minus strand), SIX6 (SIX homeobox 6; plus strand). Cytogenetic location: 14q23.1.
Variant type: single nucleotide variant.
Coding change: c.732C>A on transcript NM_007374.3 (MANE Select); coding-DNA position 732, C replaced by A.
Protein change: p.Cys244Ter; replaces cysteine 244 with a stop codon.
Molecular consequence: nonsense.
Genome position (GRCh38, 1-based): chr14:60,511,243, C>A. VCF-style: chr14-60511243-C-A. GRCh37 (hg19) VCF-style: chr14-60977961-C-A.
Other names: short protein forms C244*.
Identifiers: ClinVar variation 1946152 (VCV001946152.5), dbSNP rs1340085716, ClinGen allele CA390087949.

ClinVar aggregate classification (germline): Uncertain significance (1 of 4 stars; one submission).

gnomAD v4.1: 2 of 1,613,400 alleles (0.00012%); highest among the groups gnomAD compares: South Asian, 0.0011%; no homozygotes.

Submission:

Labcorp Genetics (formerly Invitae), Labcorp
Classification: Uncertain significance. Last evaluated: 2022-11-29. Review status: criteria provided, single submitter. Criteria: Invitae Variant Classification Sherloc (09022015). Collection method: clinical testing. Allele origin: germline.
Comment: Experimental studies and prediction algorithms are not available or were not evaluated, and the functional significance of this variant is currently unknown. This variant has not been reported in the literature in individuals affected with SIX6-related conditions. This variant is not present in population databases (gnomAD no frequency). This sequence change creates a premature translational stop signal (p.Cys244*) in the SIX6 gene. While this is not anticipated to result in nonsense mediated decay, it is expected to disrupt the last 3 amino acid(s) of the SIX6 protein. In summary, the available evidence is currently insufficient to determine the role of this variant in disease. Therefore, it has been classified as a Variant of Uncertain Significance.